The following is an entry in ClinVar:

NM_000264.5(PTCH1):c.1495A>G (p.Thr499Ala)

Gene: PTCH1 (patched 1; minus strand). Cytogenetic location: 9q22.32.
Variant type: single nucleotide variant.
Coding change: c.1495A>G on transcript NM_000264.5 (MANE Select); coding-DNA position 1495, A replaced by G.
Protein change: p.Thr499Ala; replaces threonine 499 with alanine.
Molecular consequence: missense variant. On other transcripts: non-coding transcript variant (1), intron variant (1).
Genome position (GRCh38, 1-based): chr9:95,477,555, T>C on the plus strand (A>G on the coding strand, the complement: PTCH1 is on the minus strand). VCF-style: chr9-95477555-T-C. GRCh37 (hg19) VCF-style: chr9-98239837-T-C.
Other names: c.1297A>G, p.Thr433Ala (NM_001083602.3); c.1492A>G, p.Thr498Ala (NM_001083603.3); c.1042A>G, p.Thr348Ala (NM_001083604.3, NM_001083605.3, NM_001083606.3 and 1 more transcripts); c.1347+500A>G (NM_001354918.2); short protein forms T348A, T433A, T498A, T499A.
Identifiers: ClinVar variation 4862709 (VCV004862709.1).
Genomic context (GRCh38, chr9:95,477,555, plus strand): 5'-GGGGCCGGGTGGCATTTGTCAACGGACAGCAGATAAATGGCTCCTTTAGTACCTGAGTTG[T>C]TGCAGCGTTAAAGGAAATTCCGATCAATGAGCACAGGCCCAGTCCTGCAGCCACTGACAG-3'
Protein context (NP_000255.2, residues 489-509): SLIGISFNAA[Thr499Ala]TQVLPFLALG

ClinVar aggregate classification (germline): Uncertain significance (1 of 4 stars; one submission).

Conditions:
Hereditary cancer-predisposing syndrome. Also called: Neoplastic Syndromes, Hereditary; Tumor predisposition; Hereditary Cancer Syndrome; Hereditary neoplastic syndrome. Identifiers: Orphanet 140162, MedGen C0027672, MeSH D009386, MONDO:0015356.

gnomAD v4.1: 1 of 1,614,180 alleles (0.000062%); highest among the groups gnomAD compares: Admixed American, 0.0017%; no homozygotes.

Submission:

Ambry Genetics
Classification: Uncertain significance for Hereditary cancer-predisposing syndrome. Last evaluated: 2026-06-01. Review status: criteria provided, single submitter. Criteria: Ambry Variant Classification Scheme 2023. Collection method: clinical testing. Allele origin: germline.
Comment: The p.T499A variant (also known as c.1495A>G), located in coding exon 10 of the PTCH1 gene, results from an A to G substitution at nucleotide position 1495. The threonine at codon 499 is replaced by alanine, an amino acid with similar properties. This amino acid position is conserved. In addition, the in silico prediction for this alteration is inconclusive. Based on the available evidence, the clinical significance of this variant remains unclear.